The following is an entry in ClinVar:

ClinVar aggregate classification (germline): Uncertain significance (1 of 4 stars; one submission).

gnomAD v4.1: 1 of 1,539,722 alleles (0.000065%); highest among the groups gnomAD compares: South Asian, 0.0012%; no homozygotes.

Submission:

GeneDx
Classification: Uncertain significance. Last evaluated: 2026-01-20. Review status: criteria provided, single submitter. Criteria: GeneDx Variant Classification Process June 2021. Collection method: clinical testing. Allele origin: germline. Affected: yes.
Comment: Has not been previously published as pathogenic or benign to our knowledge; In silico analysis suggests that this missense variant does not alter protein structure/function

NM_001693.4(ATP6V1B2):c.49C>G (p.Leu17Val)

Gene: ATP6V1B2 (ATPase H+ transporting V1 subunit B2; plus strand). Cytogenetic location: 8p21.3.
Variant type: single nucleotide variant.
Coding change: c.49C>G on transcript NM_001693.4 (MANE Select); coding-DNA position 49, C replaced by G.
Protein change: p.Leu17Val; replaces leucine 17 with valine.
Molecular consequence: missense variant.
Genome position (GRCh38, 1-based): chr8:20,197,455, C>G. VCF-style: chr8-20197455-C-G. GRCh37 (hg19) VCF-style: chr8-20054966-C-G.
Other names: short protein forms L17V.
Identifiers: ClinVar variation 1307461 (VCV001307461.3), dbSNP rs757469155, ClinGen allele CA370470686.